The following is an entry in ClinVar:

ClinVar aggregate classification (germline): Uncertain significance. Review status: criteria provided, multiple submitters, no conflicts (2 of 4 stars). 2 submissions from 2 submitters: Uncertain significance (2). Last evaluated 2026-04-03.

gnomAD v4.1: 13 of 1,614,032 alleles (0.00081%); highest among the groups gnomAD compares: Admixed American, 0.005%; no homozygotes.

Submissions (2):

Dasa
Classification: Uncertain significance. Last evaluated: 2026-04-03. Review status: criteria provided, single submitter. Criteria: DASA Assertion Criteria. Collection method: clinical testing. Allele origin: germline.
Comment: NM_001281740.3(FHOD3):c.4789C>T (p.Arg1597*) is a nonsense variant in FHOD3 predicted to introduce a premature termination codon. This variant is rare in population databases. The currently available literature and clinical evidence are not sufficient to establish a definitive association between this variant and the reported condition. Therefore, this variant is classified as a variant of uncertain significance.

Blueprint Genetics
Classification: Uncertain significance. Last evaluated: 2024-07-30. Review status: criteria provided, single submitter. Criteria: ACMG Guidelines, 2015. Collection method: clinical testing. Allele origin: germline.

NM_001281740.3(FHOD3):c.4789C>T (p.Arg1597Ter)

Gene: FHOD3 (formin homology 2 domain containing 3; plus strand). Cytogenetic location: 18q12.2.
Variant type: single nucleotide variant.
Coding change: c.4789C>T on transcript NM_001281740.3 (MANE Select); coding-DNA position 4789, C replaced by T.
Protein change: p.Arg1597Ter; replaces arginine 1597 with a stop codon.
Molecular consequence: nonsense.
Genome position (GRCh38, 1-based): chr18:36,779,450, C>T. VCF-style: chr18-36779450-C-T. GRCh37 (hg19) VCF-style: chr18-34359413-C-T.
Other names: c.4189C>T, p.Arg1397Ter (NM_001281739.3); c.4240C>T, p.Arg1414Ter (NM_025135.5); short protein forms R1397*, R1414*, R1597*.
Identifiers: ClinVar variation 4883495 (VCV004883495.3).